The following is an entry in ClinVar:

NM_001190274.2(FBXO11):c.1042-1G>C

Gene: FBXO11 (F-box protein 11; minus strand). Cytogenetic location: 2p16.3.
Variant type: single nucleotide variant.
Coding change: c.1042-1G>C on transcript NM_001190274.2 (MANE Select); the canonical splice acceptor site of the intron before coding-DNA position 1042, G replaced by C.
Molecular consequence: splice acceptor variant.
Genome position (GRCh38, 1-based): chr2:47,832,881, C>G on the plus strand (G>C on the coding strand, the complement: FBXO11 is on the minus strand). VCF-style: chr2-47832881-C-G. GRCh37 (hg19) VCF-style: chr2-48060020-C-G.
Other names: c.790-1G>C (NM_001374325.1, NM_025133.4).
Identifiers: ClinVar variation 689709 (VCV000689709.4), dbSNP rs1572806589, ClinGen allele CA346765998.

ClinVar aggregate classification (germline): Pathogenic/Likely pathogenic. Review status: criteria provided, multiple submitters, no conflicts (2 of 4 stars). 4 submissions from 4 submitters: Pathogenic (1); Likely pathogenic (1). 2 of the submissions do not count toward it. Last evaluated 2025-08-27.

Conditions:
Marfanoid habitus and intellectual disability. Identifiers: MedGen CN263130.
Intellectual developmental disorder with dysmorphic facies and behavioral abnormalities. Identifiers: MedGen C4748135, MONDO:0060760, OMIM 618089.
Neurodevelopmental disorder. Identifiers: MedGen C1535926, MeSH D065886, MONDO:0700092.

Submissions (4):

GeneDx
Classification: Pathogenic. Last evaluated: 2025-08-27. Review status: criteria provided, single submitter. Criteria: GeneDx Variant Classification Process June 2021. Collection method: clinical testing. Allele origin: germline. Affected: yes.
Comment: Canonical splice site variant predicted to result in a null allele in a gene for which loss of function is a known mechanism of disease; Not observed at significant frequency in large population cohorts (gnomAD); This variant is associated with the following publications: (PMID: 32277047, 39825153, 30057029)

Equipe Genetique des Anomalies du Developpement, Université de Bourgogne
Classification: Likely pathogenic for Marfanoid habitus and intellectual disability. Review status: criteria provided, single submitter. Criteria: ACMG Guidelines, 2015. Collection method: research. Allele origin: de novo. Affected: yes.

Solve-RD Consortium
Classification: Likely pathogenic for Intellectual developmental disorder with dysmorphic facies and behavioral abnormalities. Last evaluated: 2022-06-01. Review status: no assertion criteria provided. Collection method: provider interpretation. Allele origin: de novo. Affected: yes. Not counted in ClinVar's aggregate classification.
Comment: Variant confirmed as disease-causing by referring clinical team

Variant identified during reanalysis of unsolved cases by the Solve-RD project. The Solve-RD project has received funding from the European Union’s Horizon 2020 research and innovation programme under grant agreement No 779257.

University of Washington Center for Mendelian Genomics, University of Washington
Classification: Likely pathogenic for Neurodevelopmental Disorder. Review status: no assertion criteria provided. Collection method: research. Allele origin: de novo. Affected: yes. Not counted in ClinVar's aggregate classification.

Literature cited by the submitters: PubMed 39825153 (cited by Solve-RD Consortium); PubMed 30057029 (cited by University of Washington Center for Mendelian Genomics, University of Washington).